The following is an entry in ClinVar:

ClinVar aggregate classification (germline): Likely benign. Review status: criteria provided, multiple submitters, no conflicts (2 of 4 stars). 3 submissions from 3 submitters: Likely benign (3). Last evaluated 2026-07-01.

Allele frequency attached by ClinVar (database versions not stated): ExAC 0.00013; gnomAD exomes 0.00013; ESP Exome Variant Server 0.00015; 1000 Genomes Project 30x 0.00016; gnomAD 0.00016; TOPMed 0.00017; 1000 Genomes Project 0.00020.
gnomAD v4.1: 178 of 1,614,014 alleles (0.011%); highest among the groups gnomAD compares: Middle Eastern, 0.033%; no homozygotes.

Submissions (3):

CeGaT Center for Human Genetics Tuebingen
Classification: Likely benign. Last evaluated: 2026-07-01. Review status: criteria provided, single submitter. Criteria: CeGaT Center For Human Genetics Tuebingen Variant Classification Criteria Version 2. Collection method: clinical testing. Allele origin: germline. Affected: yes. Observed: 1 variant allele.
Comment: EXTL3: BP4, BP7

Labcorp Genetics (formerly Invitae), Labcorp
Classification: Likely benign. Last evaluated: 2026-02-01. Review status: criteria provided, single submitter. Criteria: Invitae Variant Classification Sherloc (09022015). Collection method: clinical testing. Allele origin: germline.

Blueprint Genetics
Classification: Likely benign. Last evaluated: 2024-11-23. Review status: criteria provided, single submitter. Criteria: ACMG Guidelines, 2015. Collection method: clinical testing. Allele origin: germline.

NM_001440.4(EXTL3):c.2304C>T (p.Ile768=)

Gene: EXTL3 (exostosin like glycosyltransferase 3; plus strand). Cytogenetic location: 8p21.1.
Variant type: single nucleotide variant.
Coding change: c.2304C>T on transcript NM_001440.4 (MANE Select); coding-DNA position 2304, C replaced by T.
Protein change: p.Ile768=; no amino-acid change (isoleucine 768 retained).
Molecular consequence: synonymous variant. On other transcripts: non-coding transcript variant (1).
Genome position (GRCh38, 1-based): chr8:28,737,546, C>T. VCF-style: chr8-28737546-C-T. GRCh37 (hg19) VCF-style: chr8-28595063-C-T.
Identifiers: ClinVar variation 1578264 (VCV001578264.10), dbSNP rs190213591, ClinGen allele CA4696400.